The following is an entry in ClinVar:

ClinVar aggregate classification (germline): Likely benign. Review status: criteria provided, multiple submitters, no conflicts (2 of 4 stars). 2 submissions from 2 submitters: Likely benign (2). Last evaluated 2026-07-01.

Submissions (2):

CeGaT Center for Human Genetics Tuebingen
Classification: Likely benign. Last evaluated: 2026-07-01. Review status: criteria provided, single submitter. Criteria: CeGaT Center For Human Genetics Tuebingen Variant Classification Criteria Version 2. Collection method: clinical testing. Allele origin: germline. Affected: yes. Observed: 1 variant allele.
Comment: MAGEL2: PM4, BS2

Labcorp Genetics (formerly Invitae), Labcorp
Classification: Likely benign. Last evaluated: 2026-01-09. Review status: criteria provided, single submitter. Criteria: Invitae Variant Classification Sherloc (09022015). Collection method: clinical testing. Allele origin: germline.

NM_019066.5(MAGEL2):c.448_477del (p.Ser150_Met159del)

Gene: MAGEL2 (MAGE family member L2; minus strand). Cytogenetic location: 15q11.2.
Variant type: Deletion.
Coding change: c.448_477del on transcript NM_019066.5 (MANE Select); coding-DNA positions 448 to 477, 30 bases deleted (TCCCACCCTCCCCCTCCGGGGACCCCAATG).
Protein change: p.Ser150_Met159del.
Molecular consequence: inframe deletion.
Genome position (GRCh38, 1-based): chr15:23,647,266-23,647,295, CATTGGGGTCCCCGGAGGGGGAGGGTGGGA deleted on the plus strand (TCCCACCCTCCCCCTCCGGGGACCCCAATG on the coding strand, the reverse complement: MAGEL2 is on the minus strand); deleting any 30 consecutive bases within chr15:23,647,266-23,647,313 gives the same sequence; the c. name uses the placement nearest the transcript's 3' end. VCF-style (leftmost placement, unchanged base first): chr15-23647265-CCATTGGGGTCCCCGGAGGGGGAGGGTGGGA-C. GRCh37 (hg19) VCF-style: chr15-23892412-CCATTGGGGTCCCCGGAGGGGGAGGGTGGGA-C.
Identifiers: ClinVar variation 2144162 (VCV002144162.5), dbSNP rs747727242, ClinGen allele CA7430111.